The following is an entry in ClinVar:

ClinVar aggregate classification (germline): Uncertain significance (1 of 4 stars; one submission).

gnomAD v4.1: 1 of 1,605,316 alleles (0.000062%); highest among the groups gnomAD compares: African/African-American, 0.0013%; no homozygotes.

Submission:

Labcorp Genetics (formerly Invitae), Labcorp
Classification: Uncertain significance. Last evaluated: 2025-06-22. Review status: criteria provided, single submitter. Criteria: Invitae Variant Classification Sherloc (09022015). Collection method: clinical testing. Allele origin: germline.
Comment: This sequence change replaces glutamic acid, which is acidic and polar, with lysine, which is basic and polar, at codon 902 of the MPDZ protein (p.Glu902Lys). This variant is not present in population databases (gnomAD no frequency). This variant has not been reported in the literature in individuals affected with MPDZ-related conditions. An algorithm developed to predict the effect of missense changes on protein structure and function (PolyPhen-2) suggests that this variant is likely to be tolerated. In summary, the available evidence is currently insufficient to determine the role of this variant in disease. Therefore, it has been classified as a Variant of Uncertain Significance.

NM_001378778.1(MPDZ):c.2704G>A (p.Glu902Lys)

Gene: MPDZ (multiple PDZ domain crumbs cell polarity complex component; minus strand). Cytogenetic location: 9p23.
Variant type: single nucleotide variant.
Coding change: c.2704G>A on transcript NM_001378778.1 (MANE Select); coding-DNA position 2704, G replaced by A.
Protein change: p.Glu902Lys; replaces glutamic acid 902 with lysine.
Molecular consequence: missense variant.
Genome position (GRCh38, 1-based): chr9:13,176,363, C>T on the plus strand (G>A on the coding strand, the complement: MPDZ is on the minus strand). VCF-style: chr9-13176363-C-T. GRCh37 (hg19) VCF-style: chr9-13176362-C-T.
Other names: c.2704G>A, p.Glu902Lys (NM_001261406.2, NM_001261407.2, NM_001330637.2 and 14 more transcripts); short protein forms E902K.
Identifiers: ClinVar variation 4762496 (VCV004762496.1).